The following is an entry in ClinVar:

ClinVar aggregate classification (germline): Uncertain significance (1 of 4 stars; one submission).

Conditions:
Immunodeficiency 104. Also called: Severe combined immunodeficiency, autosomal recessive, T cell-negative, B cell-positive, NK cell-positive; IMMUNODEFICIENCY 104, SEVERE COMBINED; Severe Combined Immune Deficiency, Autosomal Recessive, TCell -Negative, B Cell-Positive, NK Cell-Positive, IL7R-Related; SCID, AUTOSOMAL RECESSIVE, T CELL-NEGATIVE, B CELL-POSITIVE, NK CELL-POSITIVE. Identifiers: MedGen C5676890, MONDO:0012163, OMIM 608971.

Allele frequency attached by ClinVar (database versions not stated): gnomAD exomes below 0.00001.
gnomAD v4.1: 4 of 1,610,914 alleles (0.00025%); highest among the groups gnomAD compares: South Asian, 0.0044%; no homozygotes.

Submission:

Labcorp Genetics (formerly Invitae), Labcorp
Classification: Uncertain significance for Immunodeficiency 104. Last evaluated: 2022-07-05. Review status: criteria provided, single submitter. Criteria: Invitae Variant Classification Sherloc (09022015). Collection method: clinical testing. Allele origin: germline.
Comment: This sequence change replaces proline, which is neutral and non-polar, with leucine, which is neutral and non-polar, at codon 1014 of the PTPRC protein (p.Pro1014Leu). This variant is not present in population databases (gnomAD no frequency). This variant has not been reported in the literature in individuals affected with PTPRC-related conditions. Algorithms developed to predict the effect of missense changes on protein structure and function (SIFT, PolyPhen-2, Align-GVGD) all suggest that this variant is likely to be tolerated. In summary, the available evidence is currently insufficient to determine the role of this variant in disease. Therefore, it has been classified as a Variant of Uncertain Significance.

NM_002838.5(PTPRC):c.3041C>T (p.Pro1014Leu)

Gene: PTPRC (protein tyrosine phosphatase receptor type C; plus strand). Cytogenetic location: 1q32.1.
Variant type: single nucleotide variant.
Coding change: c.3041C>T on transcript NM_002838.5 (MANE Select); coding-DNA position 3041, C replaced by T.
Protein change: p.Pro1014Leu; replaces proline 1014 with leucine.
Molecular consequence: missense variant.
Genome position (GRCh38, 1-based): chr1:198,749,518, C>T. VCF-style: chr1-198749518-C-T. GRCh37 (hg19) VCF-style: chr1-198718647-C-T.
Other names: c.2558C>T, p.Pro853Leu (NM_080921.4); short protein forms P1014L, P853L.
Identifiers: ClinVar variation 2014186 (VCV002014186.1), dbSNP rs2528031340, ClinGen allele CA344053389.